The following is an entry in ClinVar:

ClinVar aggregate classification (germline): Benign (0 of 4 stars; one submission).

Conditions:
MPZL2-related disorder. Also called: MPZL2-related condition.

Allele frequency attached by ClinVar (database versions not stated): gnomAD 0.00093; TOPMed 0.00093; ExAC 0.00159; 1000 Genomes Project 30x 0.00297; 1000 Genomes Project 0.00379.
gnomAD v4.1: 1,740 of 1,614,018 alleles (0.11%); highest among the groups gnomAD compares: East Asian, 2.9%; 31 homozygotes.

Submission:

PreventionGenetics, part of Exact Sciences
Classification: Benign for MPZL2-related condition. Last evaluated: 2019-06-06. Review status: no assertion criteria provided. Collection method: clinical testing. Allele origin: germline.
Comment: This variant is classified as benign based on ACMG/AMP sequence variant interpretation guidelines (Richards et al. 2015 PMID: 25741868, with internal and published modifications).

NM_005797.4(MPZL2):c.416G>A (p.Arg139Gln)

Gene: MPZL2 (myelin protein zero like 2; minus strand). Cytogenetic location: 11q23.3.
Variant type: single nucleotide variant.
Coding change: c.416G>A on transcript NM_005797.4 (MANE Select); coding-DNA position 416, G replaced by A.
Protein change: p.Arg139Gln; replaces arginine 139 with glutamine.
Molecular consequence: missense variant.
Genome position (GRCh38, 1-based): chr11:118,262,458, C>T on the plus strand (G>A on the coding strand, the complement: MPZL2 is on the minus strand). VCF-style: chr11-118262458-C-T. GRCh37 (hg19) VCF-style: chr11-118133173-C-T.
Other names: c.416G>A, p.Arg139Gln (NM_144765.3); short protein forms R139Q.
Identifiers: ClinVar variation 3033516 (VCV003033516.2), dbSNP rs75485914, ClinGen allele CA6301367.
Genomic context (GRCh38, chr11:118,262,458, plus strand): 5'-TCTCATCCTTTCCAAAACCACTGTTCCCTGCATAACCTACCAGTGTGCACGACGCTGAGC[C>T]GGATCTCCCCTATCACCCCATCAACATCAGGTGGGTTCTTCACCTGGCAGGTGTATGTCC-3'
Protein context (NP_005788.1, residues 129-149): PDVDGVIGEI[Arg139Gln]LSVVHTVRFS